The following is an entry in ClinVar:

NM_001378452.1(ITPR1):c.4669G>A (p.Ala1557Thr)

Genes: BRRIAR (BHLHE40 and RIG-I regulating ITPR1 antisense RNA; minus strand), ITPR1 (inositol 1,4,5-trisphosphate receptor type 1; plus strand). Cytogenetic location: 3p26.1.
Variant type: single nucleotide variant.
Coding change: c.4669G>A on transcript NM_001378452.1 (MANE Select); coding-DNA position 4669, G replaced by A.
Protein change: p.Ala1557Thr; replaces alanine 1557 with threonine.
Molecular consequence: missense variant.
Genome position (GRCh38, 1-based): chr3:4,706,178, G>A. VCF-style: chr3-4706178-G-A. GRCh37 (hg19) VCF-style: chr3-4747862-G-A.
Other names: c.4642G>A, p.Ala1548Thr (NM_001099952.4); c.4624G>A, p.Ala1542Thr (NM_001168272.2); c.4597G>A, p.Ala1533Thr (NM_002222.7); short protein forms A1533T, A1542T, A1548T, A1557T.
Identifiers: ClinVar variation 2430510 (VCV002430510.2), dbSNP rs886058615, ClinGen allele CA351634768.
Genomic context (GRCh38, chr3:4,706,178, plus strand): 5'-TGTCCCCCATAAAAGTTGTAGGCTCACGACTCATCTTTCTCCTGTGCAGCCAAGAGCCGG[G>A]CCATTGCCATTCCCGTGGACCTGGACAGCCAAGTCAACAACCTCTTTCTCAAGTCCCACA-3'
Protein context (NP_001365381.1, residues 1547-1567): RVLSDVAKSR[Ala1557Thr]IAIPVDLDSQ

ClinVar aggregate classification (germline): Uncertain significance. Review status: criteria provided, multiple submitters, no conflicts (2 of 4 stars). 2 submissions from 2 submitters: Uncertain significance (2). Last evaluated 2024-10-01.

gnomAD v4.1: 10 of 1,614,038 alleles (0.00062%); highest among the groups gnomAD compares: Non-Finnish European, 0.00085%; no homozygotes.

Submissions (2):

Blueprint Genetics
Classification: Uncertain significance. Last evaluated: 2024-10-01. Review status: criteria provided, single submitter. Criteria: ACMG Guidelines, 2015. Collection method: clinical testing. Allele origin: germline.

GeneDx
Classification: Uncertain significance. Last evaluated: 2022-08-20. Review status: criteria provided, single submitter. Criteria: GeneDx Variant Classification Process June 2021. Collection method: clinical testing. Allele origin: germline. Affected: yes.
Comment: Not observed at significant frequency in large population cohorts (gnomAD); In silico analysis supports that this missense variant does not alter protein structure/function; Has not been previously published as pathogenic or benign to our knowledge